The following is an entry in ClinVar:

NM_001035.3(RYR2):c.4844A>G (p.Gln1615Arg)

Gene: RYR2 (ryanodine receptor 2; plus strand). Cytogenetic location: 1q43.
Variant type: single nucleotide variant.
Coding change: c.4844A>G on transcript NM_001035.3 (MANE Select); coding-DNA position 4844, A replaced by G.
Protein change: p.Gln1615Arg; replaces glutamine 1615 with arginine.
Molecular consequence: missense variant.
Genome position (GRCh38, 1-based): chr1:237,610,922, A>G. VCF-style: chr1-237610922-A-G. GRCh37 (hg19) VCF-style: chr1-237774222-A-G.
Other names: short protein forms Q1615R.
Identifiers: ClinVar variation 924694 (VCV000924694.4), dbSNP rs1677783755, ClinGen allele CA345402747.
Genomic context (GRCh38, chr1:237,610,922, plus strand): 5'-TGTGGAGCAGAATGCCCAACCAGTTTTTGAAGGTAGATGTGTCTCGAATAAGTGAACGCC[A>G]AGGCTGGTTGGTGCAGTGTTTGGATCCTCTGCAGTTCATGTCTCTTCATATCCCTGAGGA-3'
Protein context (NP_001026.2, residues 1605-1625): KVDVSRISER[Gln1615Arg]GWLVQCLDPL

ClinVar aggregate classification (germline): Uncertain significance (1 of 4 stars; one submission).

Conditions:
Cardiomyopathy (CMYO). Also called: Cardiomyopathies. Identifiers: Orphanet 167848, MedGen C0878544, MONDO:0004994, HP:0001638. Inheritance: Various modes of inheritance.

Submission:

Color Diagnostics, LLC DBA Color Health
Classification: Uncertain significance for Cardiomyopathy. Last evaluated: 2024-03-07. Review status: criteria provided, single submitter. Criteria: ACMG Guidelines, 2015. Collection method: clinical testing. Allele origin: germline.
Comment: This missense variant replaces glutamine with arginine at codon 1615 of the RYR2 protein. Computational prediction tools and conservation analyses suggest that this variant may not impact protein structure and function (internally defined REVEL score threshold <= 0.5, PMID: 27666373). Splice site prediction tools suggest that this variant may not impact RNA splicing. To our knowledge, functional studies have not been performed for this variant. This variant has not been reported in individuals affected with cardiovascular disorders in the literature. This variant has not been identified in the general population by the Genome Aggregation Database (gnomAD). The available evidence is insufficient to determine the role of this variant in disease conclusively. Therefore, this variant is classified as a Variant of Uncertain Significance.